The following is an entry in ClinVar:

ClinVar aggregate classification (germline): Pathogenic (1 of 4 stars; one submission).

Submission:

Labcorp Genetics (formerly Invitae), Labcorp
Classification: Pathogenic. Last evaluated: 2020-04-10. Review status: criteria provided, single submitter. Criteria: Invitae Variant Classification Sherloc (09022015). Collection method: clinical testing. Allele origin: germline.
Comment: For these reasons, this variant has been classified as Pathogenic. Loss-of-function variants in KIAA2022 are known to be pathogenic (PMID: 23615299). This variant has not been reported in the literature in individuals with KIAA2022-related conditions. This variant is not present in population databases (ExAC no frequency). This sequence change creates a premature translational stop signal (p.Leu480Cysfs*20) in the KIAA2022 gene. It is expected to result in an absent or disrupted protein product.

Literature cited by the submitters: PubMed 23615299.

NM_001008537.3(NEXMIF):c.1437del (p.Leu480fs)

Gene: NEXMIF (neurite extension and migration factor; minus strand). Cytogenetic location: Xq13.3.
Variant type: Deletion.
Coding change: c.1437del on transcript NM_001008537.3 (MANE Select); coding-DNA position 1437, one base deleted (G; older notation c.1437delG).
Protein change: p.Leu480fs; shifts the reading frame from leucine 480.
Molecular consequence: frameshift variant.
Genome position (GRCh38, 1-based): chrX:74,743,120, C deleted on the plus strand (G on the coding strand, the reverse complement: NEXMIF is on the minus strand); the first of 3 consecutive C bases (chrX:74,743,120-74,743,122); deleting any one gives the same sequence. VCF-style (leftmost placement, unchanged base first): chrX-74743119-GC-G. GRCh37 (hg19) VCF-style: chrX-73962954-GC-G.
Other names: short protein forms L480fs.
Identifiers: ClinVar variation 1069937 (VCV001069937.7), dbSNP rs2147440953, ClinGen allele CA2499226854.